The following is an entry in ClinVar:

ClinVar aggregate classification (germline): Likely benign (1 of 4 stars; one submission).

Submission:

CeGaT Center for Human Genetics Tuebingen
Classification: Likely benign. Last evaluated: 2026-02-01. Review status: criteria provided, single submitter. Criteria: CeGaT Center For Human Genetics Tuebingen Variant Classification Criteria Version 2. Collection method: clinical testing. Allele origin: germline. Affected: yes. Observed: 2 variant alleles.
Comment: TRAPPC10: PM2:Supporting, BP4, BP7

NM_003274.5(TRAPPC10):c.3777A>C (p.Thr1259=)

Gene: TRAPPC10 (trafficking protein particle complex subunit 10; plus strand). Cytogenetic location: 21q22.3.
Variant type: single nucleotide variant.
Coding change: c.3777A>C on transcript NM_003274.5 (MANE Select); coding-DNA position 3777, A replaced by C.
Protein change: p.Thr1259=; no amino-acid change (threonine 1259 retained).
Molecular consequence: synonymous variant.
Genome position (GRCh38, 1-based): chr21:44,103,528, A>C. VCF-style: chr21-44103528-A-C. GRCh37 (hg19) VCF-style: chr21-45523409-A-C.
Other names: c.2376A>C, p.Thr792= (NM_001351709.1).
Identifiers: ClinVar variation 4083574 (VCV004083574.8).